The following is an entry in ClinVar:

ClinVar aggregate classification (germline): Uncertain significance (1 of 4 stars; one submission).

Submission:

Labcorp Genetics (formerly Invitae), Labcorp
Classification: Uncertain significance. Last evaluated: 2024-11-27. Review status: criteria provided, single submitter. Criteria: Invitae Variant Classification Sherloc (09022015). Collection method: clinical testing. Allele origin: germline.
Comment: This sequence change affects codon 144 of the SOX11 mRNA. It is a 'silent' change, meaning that it does not change the encoded amino acid sequence of the SOX11 protein. The frequency data for this variant in the population databases is considered unreliable, as metrics indicate poor data quality at this position in the gnomAD database. This variant has not been reported in the literature in individuals affected with SOX11-related conditions. In summary, the available evidence is currently insufficient to determine the role of this variant in disease. Therefore, it has been classified as a Variant of Uncertain Significance.

NM_003108.4(SOX11):c.432C>A (p.Gly144=)

Gene: SOX11 (SRY-box transcription factor 11; plus strand). Cytogenetic location: 2p25.2.
Variant type: single nucleotide variant.
Coding change: c.432C>A on transcript NM_003108.4 (MANE Select); coding-DNA position 432, C replaced by A.
Protein change: p.Gly144=; no amino-acid change (glycine 144 retained).
Molecular consequence: synonymous variant.
Genome position (GRCh38, 1-based): chr2:5,693,153, C>A. VCF-style: chr2-5693153-C-A. GRCh37 (hg19) VCF-style: chr2-5833285-C-A.
Identifiers: ClinVar variation 3619071 (VCV003619071.2).